The following is an entry in ClinVar:

NM_015450.3(POT1):c.124+5G>T

Gene: POT1 (protection of telomeres 1; minus strand). Cytogenetic location: 7q31.33.
Variant type: single nucleotide variant.
Coding change: c.124+5G>T on transcript NM_015450.3 (MANE Select); 5 bases into the intron after coding-DNA position 124, G replaced by T.
Molecular consequence: intron variant.
Genome position (GRCh38, 1-based): chr7:124,892,261, C>A on the plus strand (G>T on the coding strand, the complement: POT1 is on the minus strand). VCF-style: chr7-124892261-C-A. GRCh37 (hg19) VCF-style: chr7-124532315-C-A.
Other names: c.-139+5G>T (NM_001042594.2).
Identifiers: ClinVar variation 577543 (VCV000577543.10), dbSNP rs1027069149, ClinGen allele CA166095457.
Genomic context (GRCh38, chr7:124,892,261, plus strand): 5'-GAACCGTGTTCCTAAATCAATAATGCATTTCCACTCCAAAAAACTCCACCAGTTTTAATA[C>A]CTACCAGTTCCTTTGCTTAGATATGGGGGCTTAAAGAACTTCACAACACCATAGACATTG-3'

ClinVar aggregate classification (germline): Conflicting classifications of pathogenicity. Review status: criteria provided, conflicting classifications (1 of 4 stars). 2 submissions from 2 submitters: Likely pathogenic (1); Uncertain significance (1). Last evaluated 2026-04-23.

Conditions:
Hereditary cancer-predisposing syndrome. Also called: Tumor predisposition; Hereditary Cancer Syndrome; Neoplastic Syndromes, Hereditary; Hereditary neoplastic syndrome. Identifiers: Orphanet 140162, MedGen C0027672, MeSH D009386, MONDO:0015356.
Tumor predisposition syndrome 3 (TPDS3). Also called: LONG TELOMERE SYNDROME, POT1-RELATED; POT1 Tumor Predisposition; Melanoma, cutaneous malignant, susceptibility to, 10; Glioma susceptibility 9. Identifiers: Orphanet 618, MedGen C4014476, MONDO:0014368, OMIM 615848.

Submissions (2):

Ambry Genetics
Classification: Likely pathogenic for Hereditary cancer-predisposing syndrome. Last evaluated: 2026-04-23. Review status: criteria provided, single submitter. Criteria: Ambry Variant Classification Scheme 2023. Collection method: clinical testing. Allele origin: germline.
Comment: The c.124+5G>T intronic variant results from a G to T substitution 5 nucleotides after coding exon 2 in the POT1 gene. This nucleotide position is highly conserved in available vertebrate species. In silico splice site analysis predicts that this alteration will weaken the native splice donor site. RNA studies have demonstrated that this variant results in abnormal splicing in the set of samples tested (Ambry internal data). This variant is considered to be rare based on population cohorts in the Genome Aggregation Database (gnomAD). Based on the majority of available evidence to date, this variant is likely to be pathogenic.

Labcorp Genetics (formerly Invitae), Labcorp
Classification: Uncertain significance for Tumor predisposition syndrome 3. Last evaluated: 2025-05-06. Review status: criteria provided, single submitter. Criteria: Invitae Variant Classification Sherloc (09022015). Collection method: clinical testing. Allele origin: germline.
Comment: This sequence change falls in intron 6 of the POT1 gene. It does not directly change the encoded amino acid sequence of the POT1 protein. It affects a nucleotide within the consensus splice site. This variant is not present in population databases (gnomAD no frequency). This variant has not been reported in the literature in individuals affected with POT1-related conditions. ClinVar contains an entry for this variant (Variation ID: 577543). Variants that disrupt the consensus splice site are a relatively common cause of aberrant splicing (PMID: 17576681, 9536098). Algorithms developed to predict the effect of sequence changes on RNA splicing suggest that this variant may disrupt the consensus splice site. In summary, the available evidence is currently insufficient to determine the role of this variant in disease. Therefore, it has been classified as a Variant of Uncertain Significance.

Literature cited by the submitters: PubMed 17576681 (cited by Labcorp Genetics (formerly Invitae), Labcorp); PubMed 9536098 (cited by Labcorp Genetics (formerly Invitae), Labcorp).